The following is an entry in ClinVar:

ClinVar aggregate classification (germline): Pathogenic (1 of 4 stars; one submission).

Submission:

Labcorp Genetics (formerly Invitae), Labcorp
Classification: Pathogenic. Last evaluated: 2023-08-05. Review status: criteria provided, single submitter. Criteria: Invitae Variant Classification Sherloc (09022015). Collection method: clinical testing. Allele origin: germline.
Comment: This sequence change creates a premature translational stop signal (p.Ser320Phefs*19) in the RARS2 gene. It is expected to result in an absent or disrupted protein product. Loss-of-function variants in RARS2 are known to be pathogenic (PMID: 17847012, 22569581, 26083569). This variant is not present in population databases (gnomAD no frequency). This variant has not been reported in the literature in individuals affected with RARS2-related conditions. Algorithms developed to predict the effect of sequence changes on RNA splicing suggest that this variant may disrupt the consensus splice site. For these reasons, this variant has been classified as Pathogenic.

Literature cited by the submitters: PubMed 17847012; PubMed 22569581; PubMed 26083569.

NM_020320.5(RARS2):c.958dup (p.Ser320fs)

Gene: RARS2 (arginyl-tRNA synthetase 2, mitochondrial; minus strand). Cytogenetic location: 6q15.
Variant type: Duplication.
Coding change: c.958dup on transcript NM_020320.5 (MANE Select); coding-DNA position 958, one base duplicated (T; older notation c.958dupT).
Protein change: p.Ser320fs; shifts the reading frame from serine 320.
Molecular consequence: frameshift variant. On other transcripts: non-coding transcript variant (23).
Genome position (GRCh38, 1-based): chr6:87,524,573, A duplicated on the plus strand (T on the coding strand, the reverse complement: RARS2 is on the minus strand); the first of 2 consecutive A bases (chr6:87,524,573-87,524,574); duplicating either gives the same sequence. VCF-style (leftmost placement, unchanged base first): chr6-87524572-G-GA. GRCh37 (hg19) VCF-style: chr6-88234290-G-GA.
Other names: c.433dup, p.Ser145fs (NM_001318785.2, NM_001350506.2, NM_001350507.2 and 4 more transcripts); c.958dup, p.Ser320fs (NM_001350505.2); short protein forms S145fs, S320fs.
Identifiers: ClinVar variation 2750483 (VCV002750483.3), dbSNP rs2483363823, ClinGen allele CA2697553604.